The following is an entry in ClinVar:

ClinVar aggregate classification (germline): Conflicting classifications of pathogenicity. Review status: criteria provided, conflicting classifications (1 of 4 stars). 7 submissions from 7 submitters: Uncertain significance (3); Likely benign (4). Last evaluated 2026-02-03.

Conditions:
DOLK-related disorder. Also called: DOLK-related condition.
Cardiovascular phenotype. Identifiers: MedGen CN230736.
DK1-congenital disorder of glycosylation. Also called: DOLK-congenital disorder of glycosylation; Carbohydrate deficient glycoprotein syndrome type 1m; CDG Im; CONGENITAL DISORDER OF GLYCOSYLATION, TYPE Im; DK1 DEFICIENCY; DOLICHOL KINASE DEFICIENCY. Identifiers: Orphanet 91131, MedGen C1835849, MONDO:0012556, OMIM 610768.

Allele frequency attached by ClinVar (database versions not stated): gnomAD exomes 0.00014; ExAC 0.00015; TOPMed 0.00049; gnomAD 0.00058 and 0.00060; ESP Exome Variant Server 0.00062; 1000 Genomes Project 30x 0.00078; 1000 Genomes Project 0.00080.

Submissions (7):

Labcorp Genetics (formerly Invitae), Labcorp
Classification: Likely benign for DK1-congenital disorder of glycosylation. Last evaluated: 2026-02-03. Review status: criteria provided, single submitter. Criteria: Invitae Variant Classification Sherloc (09022015). Collection method: clinical testing. Allele origin: germline.

GeneDx
Classification: Uncertain significance. Last evaluated: 2025-06-30. Review status: criteria provided, single submitter. Criteria: GeneDx Variant Classification Process June 2021. Collection method: clinical testing. Allele origin: germline. Affected: yes.
Comment: In silico analysis suggests that this missense variant does not alter protein structure/function; Has not been previously published as pathogenic or benign to our knowledge

Molecular Diagnostic Laboratory for Inherited Cardiovascular Disease, Montreal Heart Institute
Classification: Likely benign. Last evaluated: 2025-04-09. Review status: criteria provided, single submitter. Criteria: ACMG Guidelines, 2015. Collection method: clinical testing. Allele origin: germline. Affected: no.

ARUP Laboratories, Molecular Genetics and Genomics, ARUP Laboratories
Classification: Uncertain significance for DK1-congenital disorder of glycosylation. Last evaluated: 2025-03-26. Review status: criteria provided, single submitter. Criteria: ARUP Molecular Germline Variant Investigation Process 2024. Collection method: clinical testing. Allele origin: germline.
Comment: The DOLK c.1114T>A; p.Phe372Ile variant (rs146395561), to our knowledge, is not reported in the medical literature but is reported in ClinVar (Variation ID: 388259). This variant is found in the African/African-American population with an allele frequency of 0.212% (53/24,974 alleles) in the Genome Aggregation Database (v2.1.1). Computational analyses predict that this variant is neutral (REVEL: 0.035). Due to limited information, the clinical significance of this variant is uncertain at this time.

PreventionGenetics, part of Exact Sciences
Classification: Likely benign for DOLK-related condition. Last evaluated: 2025-03-08. Review status: criteria provided, single submitter. Criteria: ACMG Guidelines, 2015. Collection method: clinical testing. Allele origin: germline.
Comment: This variant is classified as likely benign based on ACMG/AMP sequence variant interpretation guidelines (Richards et al. 2015 PMID: 25741868, with internal and published modifications).

Women's Health and Genetics/Laboratory Corporation of America, LabCorp
Classification: Uncertain significance. Last evaluated: 2024-10-06. Review status: criteria provided, single submitter. Criteria: LabCorp Variant Classification Summary - May 2015. Collection method: clinical testing. Allele origin: germline.

Ambry Genetics
Classification: Likely benign for Cardiovascular phenotype. Last evaluated: 2024-06-19. Review status: criteria provided, single submitter. Criteria: Ambry Variant Classification Scheme 2023. Collection method: clinical testing. Allele origin: germline.

NM_014908.4(DOLK):c.1114T>A (p.Phe372Ile)

Gene: DOLK (dolichol kinase; minus strand). Cytogenetic location: 9q34.11.
Variant type: single nucleotide variant.
Coding change: c.1114T>A on transcript NM_014908.4 (MANE Select); coding-DNA position 1114, T replaced by A.
Protein change: p.Phe372Ile; replaces phenylalanine 372 with isoleucine.
Molecular consequence: missense variant.
Genome position (GRCh38, 1-based): chr9:128,946,190, A>T on the plus strand (T>A on the coding strand, the complement: DOLK is on the minus strand). VCF-style: chr9-128946190-A-T. GRCh37 (hg19) VCF-style: chr9-131708469-A-T.
Other names: short protein forms F372I.
Identifiers: ClinVar variation 388259 (VCV000388259.23), dbSNP rs146395561, ClinGen allele CA5271628.